The following is an entry in ClinVar:

ClinVar aggregate classification (germline): Pathogenic (1 of 4 stars; one submission).

Conditions:
Opsismodysplasia (OPSMD). Also called: INPPL1-Related Opsismodysplasia. Identifiers: Orphanet 2746, MedGen C0432219, MONDO:0009785, OMIM 258480.

Allele frequency attached by ClinVar (database versions not stated): gnomAD exomes below 0.00001.
gnomAD v4.1: 1 of 1,614,198 alleles (0.000062%); highest among the groups gnomAD compares: Non-Finnish European, 0.000085%; no homozygotes.

Submission:

Centre for Mendelian Genomics, University Medical Centre Ljubljana
Classification: Pathogenic for Opsismodysplasia. Last evaluated: 2019-05-07. Review status: criteria provided, single submitter. Criteria: ACMG Guidelines, 2015. Collection method: clinical testing. Allele origin: unknown. Affected: yes.
Comment: This variant was classified as: Pathogenic. The following ACMG criteria were applied in classifying this variant: PVS1,PM2,PP3.

NM_001567.4(INPPL1):c.939+1G>A

Gene: INPPL1 (inositol polyphosphate phosphatase like 1; plus strand). Cytogenetic location: 11q13.4.
Variant type: single nucleotide variant.
Coding change: c.939+1G>A on transcript NM_001567.4 (MANE Select); the canonical splice donor site of the intron after coding-DNA position 939, G replaced by A.
Molecular consequence: splice donor variant.
Genome position (GRCh38, 1-based): chr11:72,230,020, G>A. VCF-style: chr11-72230020-G-A. GRCh37 (hg19) VCF-style: chr11-71941064-G-A.
Identifiers: ClinVar variation 931442 (VCV000931442.3), dbSNP rs1948786646, ClinGen allele CA381723492.